The following is an entry in ClinVar:

NM_020461.4(TUBGCP6):c.2156G>A (p.Arg719Gln)

Gene: TUBGCP6 (tubulin gamma complex component 6; minus strand). Cytogenetic location: 22q13.33.
Variant type: single nucleotide variant.
Coding change: c.2156G>A on transcript NM_020461.4 (MANE Select); coding-DNA position 2156, G replaced by A.
Protein change: p.Arg719Gln; replaces arginine 719 with glutamine.
Molecular consequence: missense variant.
Genome position (GRCh38, 1-based): chr22:50,224,255, C>T on the plus strand (G>A on the coding strand, the complement: TUBGCP6 is on the minus strand). VCF-style: chr22-50224255-C-T. GRCh37 (hg19) VCF-style: chr22-50662684-C-T.
Other names: short protein forms R719Q.
Identifiers: ClinVar variation 837369 (VCV000837369.6), dbSNP rs772397375, ClinGen allele CA10308325.
Genomic context (GRCh38, chr22:50,224,255, plus strand): 5'-CGGAGTTCACGGGCGTAGCTGAAGTCATCATCCAGCTCCTCCTGCCTGGCCGCCTGGCGT[C>T]GCTATAAAACACATAGAGCCTGGCCTGTGAAATCAGAACTGACAGGCGTGACCCCGCAGG-3'
Protein context (NP_065194.3, residues 709-729): LKEQFVKDQE[Arg719Gln]RQAARQEELD

ClinVar aggregate classification (germline): Uncertain significance. Review status: criteria provided, multiple submitters, no conflicts (2 of 4 stars). 3 submissions from 3 submitters: Uncertain significance (3). Last evaluated 2022-11-24.

Allele frequency attached by ClinVar (database versions not stated): ExAC 0.00006; gnomAD 0.00007 and 0.00008; gnomAD exomes 0.00008 and 0.00009; TOPMed 0.00010.
gnomAD v4.1: 140 of 1,613,994 alleles (0.0087%); highest among the groups gnomAD compares: Non-Finnish European, 0.011%; no homozygotes.

Submissions (3):

Blueprint Genetics
Classification: Uncertain significance. Last evaluated: 2022-11-24. Review status: criteria provided, single submitter. Criteria: ACMG Guidelines, 2015. Collection method: clinical testing. Allele origin: germline.

Labcorp Genetics (formerly Invitae), Labcorp
Classification: Uncertain significance. Last evaluated: 2022-08-02. Review status: criteria provided, single submitter. Criteria: Invitae Variant Classification Sherloc (09022015). Collection method: clinical testing. Allele origin: germline.
Comment: This sequence change replaces arginine, which is basic and polar, with glutamine, which is neutral and polar, at codon 719 of the TUBGCP6 protein (p.Arg719Gln). This variant is present in population databases (rs772397375, gnomAD 0.02%). This variant has not been reported in the literature in individuals affected with TUBGCP6-related conditions. ClinVar contains an entry for this variant (Variation ID: 837369). Algorithms developed to predict the effect of missense changes on protein structure and function are either unavailable or do not agree on the potential impact of this missense change (SIFT: "Tolerated"; PolyPhen-2: "Possibly Damaging"; Align-GVGD: "Class C0"). In summary, the available evidence is currently insufficient to determine the role of this variant in disease. Therefore, it has been classified as a Variant of Uncertain Significance.

GeneDx
Classification: Uncertain significance. Last evaluated: 2021-06-04. Review status: criteria provided, single submitter. Criteria: GeneDx Variant Classification Process June 2021. Collection method: clinical testing. Allele origin: germline. Affected: yes.
Comment: This variant is associated with the following publications: (PMID: 27535533)